The following is an entry in ClinVar:

NM_020937.4(FANCM):c.2237C>G (p.Thr746Arg)

Gene: FANCM (FA complementation group M; plus strand). Cytogenetic location: 14q21.2.
Variant type: single nucleotide variant.
Coding change: c.2237C>G on transcript NM_020937.4 (MANE Select); coding-DNA position 2237, C replaced by G.
Protein change: p.Thr746Arg; replaces threonine 746 with arginine.
Molecular consequence: missense variant.
Genome position (GRCh38, 1-based): chr14:45,173,131, C>G. VCF-style: chr14-45173131-C-G. GRCh37 (hg19) VCF-style: chr14-45642334-C-G.
Other names: c.2159C>G, p.Thr720Arg (NM_001308133.2); short protein forms T720R, T746R.
Identifiers: ClinVar variation 4619607 (VCV004619607.1).

ClinVar aggregate classification (germline): Uncertain significance (1 of 4 stars; one submission).

Conditions:
Inborn genetic diseases. Identifiers: MedGen C0950123, MeSH D030342.

Submission:

Ambry Genetics
Classification: Uncertain significance for Inborn genetic diseases. Last evaluated: 2025-11-25. Review status: criteria provided, single submitter. Criteria: Ambry Variant Classification Scheme 2023. Collection method: clinical testing. Allele origin: germline.
Comment: The p.T746R variant (also known as c.2237C>G), located in coding exon 13 of the FANCM gene, results from a C to G substitution at nucleotide position 2237. The threonine at codon 746 is replaced by arginine, an amino acid with similar properties. This amino acid position is conserved. In addition, this alteration is predicted to be tolerated by in silico analysis. Based on the available evidence, the clinical significance of this variant remains unclear.